The following is an entry in ClinVar:

NM_000492.4(CFTR):c.1116+2T>C

Gene: CFTR (CF transmembrane conductance regulator; plus strand). Cytogenetic location: 7q31.2.
Variant type: single nucleotide variant.
Coding change: c.1116+2T>C on transcript NM_000492.4 (MANE Select); the canonical splice donor site of the intron after coding-DNA position 1116, T replaced by C.
Molecular consequence: splice donor variant.
Genome position (GRCh38, 1-based): chr7:117,540,348, T>C. VCF-style: chr7-117540348-T-C. GRCh37 (hg19) VCF-style: chr7-117180402-T-C.
Identifiers: ClinVar variation 2716001 (VCV002716001.4), dbSNP rs775628795, ClinGen allele CA4450891.

ClinVar aggregate classification (germline): Pathogenic/Likely pathogenic. Review status: criteria provided, multiple submitters, no conflicts (2 of 4 stars). 2 submissions from 2 submitters: Pathogenic (1); Likely pathogenic (1). Last evaluated 2024-01-25.

Conditions:
Cystic fibrosis (CF). Also called: MUCOVISCIDOSIS. Identifiers: Orphanet 586, MedGen C0010674, MONDO:0009061, OMIM 219700. Disease mechanism: loss of function.
Bronchiectasis with or without elevated sweat chloride 1 (BESC1). Also called: Cystic Fibrosis-Like Syndrome. Identifiers: Orphanet 60033, MedGen C2749757, MONDO:0008887, OMIM 211400.

Allele frequency attached by ClinVar (database versions not stated): ExAC 0.00001; gnomAD exomes below 0.00001.

Submissions (2):

Baylor Genetics
Classification: Likely pathogenic for Bronchiectasis with or without elevated sweat chloride 1. Last evaluated: 2024-01-25. Review status: criteria provided, single submitter. Criteria: ACMG Guidelines, 2015. Collection method: clinical testing. Allele origin: unknown.

Labcorp Genetics (formerly Invitae), Labcorp
Classification: Pathogenic for Cystic fibrosis. Last evaluated: 2023-12-21. Review status: criteria provided, single submitter. Criteria: Invitae Variant Classification Sherloc (09022015). Collection method: clinical testing. Allele origin: germline.
Comment: This sequence change affects a donor splice site in intron 8 of the CFTR gene. It is expected to disrupt RNA splicing. Variants that disrupt the donor or acceptor splice site typically lead to a loss of protein function (PMID: 16199547), and loss-of-function variants in CFTR are known to be pathogenic (PMID: 1695717, 7691345, 9725922). This variant is not present in population databases (gnomAD no frequency). Disruption of this splice site has been observed in individual(s) with cystic fibrosis (PMID: 24586523). In at least one individual the data is consistent with being in trans (on the opposite chromosome) from a pathogenic variant. Algorithms developed to predict the effect of sequence changes on RNA splicing suggest that this variant may disrupt the consensus splice site. For these reasons, this variant has been classified as Pathogenic.

Literature cited by the submitters: PubMed 16199547 (cited by Labcorp Genetics (formerly Invitae), Labcorp); PubMed 1695717 (cited by Labcorp Genetics (formerly Invitae), Labcorp); PubMed 7691345 (cited by Labcorp Genetics (formerly Invitae), Labcorp); PubMed 9725922 (cited by Labcorp Genetics (formerly Invitae), Labcorp); PubMed 24586523 (cited by Labcorp Genetics (formerly Invitae), Labcorp).